The following is an entry in ClinVar:

NC_000010.10:g.(?_73970434)_(73973122_?)del

Gene: ASCC1 (activating signal cointegrator 1 complex subunit 1; minus strand). Cytogenetic location: 10q22.1.
Variant type: Deletion.
Identifiers: ClinVar variation 1210120 (VCV001210120.3).

ClinVar aggregate classification (germline): Pathogenic (1 of 4 stars; one submission).

Conditions:
Spinal muscular atrophy with congenital bone fractures 2 (SMABF2). Identifiers: MedGen C4225176, MONDO:0014807, OMIM 616867.

Submission:

Laboratory of Functional Genomics, Research Centre for Medical Genetics
Classification: Pathogenic for Spinal muscular atrophy with congenital bone fractures 2. Last evaluated: 2021-08-10. Review status: criteria provided, single submitter. Criteria: ACMG Guidelines, 2015. Collection method: clinical testing. Allele origin: maternal. Inheritance: Autosomal recessive inheritance. Affected: yes. Observed: 1 variant allele, 1 compound heterozygote.
Comment: The g.(?_73970434)_(73973122_?)del variant could be classified as pathogenic variant according to ACMG criteria (PM2, PVS1, PM3). This variant is absent from large population studies. Variant led to deletion of exons 2 and 3 and loss of start codon in ASCC1 gene.